The following is an entry in ClinVar:

ClinVar aggregate classification (germline): Uncertain significance (1 of 4 stars; one submission).

Conditions:
Hereditary cancer-predisposing syndrome. Also called: Neoplastic Syndromes, Hereditary; Tumor predisposition; Hereditary neoplastic syndrome; Hereditary Cancer Syndrome. Identifiers: Orphanet 140162, MedGen C0027672, MeSH D009386, MONDO:0015356.

Allele frequency attached by ClinVar (database versions not stated): gnomAD exomes below 0.00001.
gnomAD v4.1: 1 of 1,614,172 alleles (0.000062%); highest among the groups gnomAD compares: Non-Finnish European, 0.000085%; no homozygotes.

Submission:

Ambry Genetics
Classification: Uncertain significance for Hereditary cancer-predisposing syndrome. Last evaluated: 2024-02-01. Review status: criteria provided, single submitter. Criteria: Ambry Variant Classification Scheme 2023. Collection method: clinical testing. Allele origin: germline.
Comment: The p.L183V variant (also known as c.547C>G), located in coding exon 3 of the PTCH1 gene, results from a C to G substitution at nucleotide position 547. The leucine at codon 183 is replaced by valine, an amino acid with highly similar properties. This amino acid position is conserved. In addition, the in silico prediction for this alteration is inconclusive. Based on the available evidence, the clinical significance of this alteration remains unclear.

NM_000264.5(PTCH1):c.547C>G (p.Leu183Val)

Gene: PTCH1 (patched 1; minus strand). Cytogenetic location: 9q22.32.
Variant type: single nucleotide variant.
Coding change: c.547C>G on transcript NM_000264.5 (MANE Select); coding-DNA position 547, C replaced by G.
Protein change: p.Leu183Val; replaces leucine 183 with valine.
Molecular consequence: missense variant. On other transcripts: non-coding transcript variant (1).
Genome position (GRCh38, 1-based): chr9:95,485,722, G>C on the plus strand (C>G on the coding strand, the complement: PTCH1 is on the minus strand). VCF-style: chr9-95485722-G-C. GRCh37 (hg19) VCF-style: chr9-98248004-G-C.
Other names: c.349C>G, p.Leu117Val (NM_001083602.3, NM_001354919.2); c.544C>G, p.Leu182Val (NM_001083603.3); c.94C>G, p.Leu32Val (NM_001083604.3, NM_001083605.3, NM_001083606.3 and 1 more transcripts); c.547C>G, p.Leu183Val (NM_001354918.2); short protein forms L117V, L182V, L183V, L32V.
Identifiers: ClinVar variation 3231054 (VCV003231054.1), dbSNP rs2538267108, ClinGen allele CA374116731.